The following is an entry in ClinVar:

NM_005157.6(ABL1):c.287A>G (p.Asn96Ser)

Gene: ABL1 (ABL proto-oncogene 1, non-receptor tyrosine kinase; plus strand). Cytogenetic location: 9q34.12.
Variant type: single nucleotide variant.
Coding change: c.287A>G on transcript NM_005157.6 (MANE Select); coding-DNA position 287, A replaced by G.
Protein change: p.Asn96Ser; replaces asparagine 96 with serine.
Molecular consequence: missense variant.
Genome position (GRCh38, 1-based): chr9:130,854,834, A>G. VCF-style: chr9-130854834-A-G. GRCh37 (hg19) VCF-style: chr9-133730221-A-G.
Other names: c.344A>G, p.Asn115Ser (NM_007313.3); short protein forms N115S, N96S.
Identifiers: ClinVar variation 133449 (VCV000133449.6), dbSNP rs587778016, ClinGen allele CA156557.
Genomic context (GRCh38, chr9:130,854,834, plus strand): 5'-TGTCTGATTTGGTTCCTTTCTTCTCAGGTGAAAAGCTCCGGGTCTTAGGCTATAATCACA[A>G]TGGGGAATGGTGTGAAGCCCAAACCAAAAATGGCCAAGGCTGGGTCCCAAGCAACTACAT-3'
Protein context (NP_005148.2, residues 86-106): EKLRVLGYNH[Asn96Ser]GEWCEAQTKN

ClinVar aggregate classification (germline): Likely benign. Review status: criteria provided, single submitter (1 of 4 stars). 2 submissions from 2 submitters: Likely benign (1). 1 of the submissions does not count toward it. Last evaluated 2024-06-25.

Allele frequency attached by ClinVar (database versions not stated): gnomAD 0.00001 and 0.00004; gnomAD exomes 0.00001 and 0.00007; ExAC 0.00002; TOPMed 0.00002.
gnomAD v4.1: 101 of 1,614,052 alleles (0.0063%); highest among the groups gnomAD compares: East Asian, 0.17%; no homozygotes.

Submissions (2):

Labcorp Genetics (formerly Invitae), Labcorp
Classification: Likely benign. Last evaluated: 2024-06-25. Review status: criteria provided, single submitter. Criteria: Invitae Variant Classification Sherloc (09022015). Collection method: clinical testing. Allele origin: germline.

ITMI
No classification provided. Condition: AllHighlyPenetrant. Last evaluated: 2013-09-19. Review status: no classification provided. Collection method: reference population. Allele origin: germline. Not counted in ClinVar's aggregate classification.
Comment: Please see associated publication for description of ethnicities

Literature cited by the submitters: PubMed 24728327 (cited by ITMI).